The following is an entry in ClinVar:

NM_012210.4(TRIM32):c.496C>T (p.Arg166Trp)

Genes: ASTN2 (astrotactin 2; minus strand), TRIM32 (tripartite motif containing 32; plus strand). Cytogenetic location: 9q33.1.
Variant type: single nucleotide variant.
Coding change: c.496C>T on transcript NM_012210.4 (MANE Select); coding-DNA position 496, C replaced by T.
Protein change: p.Arg166Trp; replaces arginine 166 with tryptophan.
Molecular consequence: missense variant. On other transcripts: intron variant (3).
Genome position (GRCh38, 1-based): chr9:116,698,238, C>T. VCF-style: chr9-116698238-C-T. GRCh37 (hg19) VCF-style: chr9-119460517-C-T.
Other names: c.496C>T, p.Arg166Trp (NM_001099679.2, NM_001379048.1, NM_001379049.1 and 1 more transcripts); c.2653+27533G>A (NM_014010.5); c.2794+27533G>A (NM_001365069.1); c.2806+27533G>A (NM_001365068.1); short protein forms R166W.
Identifiers: ClinVar variation 502143 (VCV000502143.18), dbSNP rs752016708, ClinGen allele CA5210995.
Genomic context (GRCh38, chr9:116,698,238, plus strand): 5'-CGTCGGGACTTTGGAGAGAAGTTAACTCGTCTGCGGGAACTTATGGGGGAGCTGCAGCGG[C>T]GGAAGGCAGCCTTGGAAGGTGTCTCCAAGGACCTTCAGGCAAGGTATAAAGCAGTTCTCC-3'
Protein context (NP_036342.2, residues 156-176): LRELMGELQR[Arg166Trp]KAALEGVSKD

ClinVar aggregate classification (germline): Uncertain significance. Review status: criteria provided, multiple submitters, no conflicts (2 of 4 stars). 7 submissions from 7 submitters: Uncertain significance (6). 1 of the submissions does not count toward it. Last evaluated 2024-10-11.

Conditions:
Inborn genetic diseases. Identifiers: MedGen C0950123, MeSH D030342.
Sarcotubular myopathy (LGMDR8). Also called: Limb-girdle muscular dystrophy, type 2H; Autosomal recessive limb-girdle muscular dystrophy type 2H; Hutterite type of muscular dystrophy; MUSCULAR DYSTROPHY, LIMB-GIRDLE, AUTOSOMAL RECESSIVE 8. Identifiers: Orphanet 1878, MedGen C0270968, MONDO:0009683, OMIM 254110.
Bardet-Biedl syndrome 11 (BBS11). Identifiers: Orphanet 110, MedGen C1859569, MONDO:0014439, OMIM 615988.
TRIM32-related disorder. Also called: TRIM32-related condition.
Bardet-Biedl syndrome (BBS). Identifiers: Orphanet 110, MedGen C0752166, MONDO:0015229.

Allele frequency attached by ClinVar (database versions not stated): gnomAD 0.00003 and 0.00004; TOPMed 0.00003; gnomAD exomes 0.00004 and 0.00011; ExAC 0.00005.
gnomAD v4.1: 156 of 1,613,938 alleles (0.0097%); highest among the groups gnomAD compares: Middle Eastern, 0.016%; no homozygotes.

Submissions (7):

Blueprint Genetics
Classification: Uncertain significance. Last evaluated: 2024-10-11. Review status: criteria provided, single submitter. Criteria: ACMG Guidelines, 2015. Collection method: clinical testing. Allele origin: germline.

Ambry Genetics
Classification: Uncertain significance for Inborn genetic diseases. Last evaluated: 2023-12-21. Review status: criteria provided, single submitter. Criteria: Ambry Variant Classification Scheme 2023. Collection method: clinical testing. Allele origin: germline.

Labcorp Genetics (formerly Invitae), Labcorp
Classification: Uncertain significance for Bardet-Biedl syndrome. Last evaluated: 2022-10-24. Review status: criteria provided, single submitter. Criteria: Invitae Variant Classification Sherloc (09022015). Collection method: clinical testing. Allele origin: germline.
Comment: This sequence change replaces arginine, which is basic and polar, with tryptophan, which is neutral and slightly polar, at codon 166 of the TRIM32 protein (p.Arg166Trp). This variant is present in population databases (rs752016708, gnomAD 0.007%). This variant has not been reported in the literature in individuals affected with TRIM32-related conditions. ClinVar contains an entry for this variant (Variation ID: 502143). Algorithms developed to predict the effect of missense changes on protein structure and function (SIFT, PolyPhen-2, Align-GVGD) all suggest that this variant is likely to be disruptive. In summary, the available evidence is currently insufficient to determine the role of this variant in disease. Therefore, it has been classified as a Variant of Uncertain Significance.

Fulgent Genetics
Classification: Uncertain significance for Sarcotubular myopathy; Bardet-Biedl syndrome 11. Last evaluated: 2022-03-16. Review status: criteria provided, single submitter. Criteria: ACMG Guidelines, 2015. Collection method: clinical testing. Allele origin: unknown.

Revvity Omics, Revvity
Classification: Uncertain significance. Last evaluated: 2021-09-27. Review status: criteria provided, single submitter. Criteria: ACMG Guidelines, 2015. Collection method: clinical testing. Allele origin: germline.

Eurofins Ntd Llc (ga)
Classification: Uncertain significance. Last evaluated: 2017-05-23. Review status: criteria provided, single submitter. Criteria: EGL Classification Definitions 2015. Collection method: clinical testing. Allele origin: germline. Observed: 1 variant allele, 1 heterozygote.

PreventionGenetics, part of Exact Sciences
Classification: Uncertain significance for TRIM32-related condition. Last evaluated: 2024-05-06. Review status: no assertion criteria provided. Collection method: clinical testing. Allele origin: germline. Not counted in ClinVar's aggregate classification.
Comment: The TRIM32 c.496C>T variant is predicted to result in the amino acid substitution p.Arg166Trp. To our knowledge, this variant has not been reported in the literature. This variant is reported in 0.0065% of alleles in individuals of South Asian descent in gnomAD. At this time, the clinical significance of this variant is uncertain due to the absence of conclusive functional and genetic evidence.